The following is an entry in ClinVar:

NM_000535.7(PMS2):c.60G>C (p.Arg20=)

Gene: PMS2 (PMS1 homolog 2, mismatch repair system component; minus strand). Cytogenetic location: 7p22.1.
Variant type: single nucleotide variant.
Coding change: c.60G>C on transcript NM_000535.7 (MANE Select); coding-DNA position 60, G replaced by C.
Protein change: p.Arg20=; no amino-acid change (arginine 20 retained).
Molecular consequence: synonymous variant. On other transcripts: 5 prime UTR variant (8), non-coding transcript variant (1), intron variant (3).
Genome position (GRCh38, 1-based): chr7:6,005,995, C>G on the plus strand (G>C on the coding strand, the complement: PMS2 is on the minus strand). VCF-style: chr7-6005995-C-G. GRCh37 (hg19) VCF-style: chr7-6045626-C-G.
Other names: c.-346G>C (NM_001322003.2, NM_001322005.2, NM_001322009.2 and 1 more transcripts); c.60G>C, p.Arg20= (NM_001322006.2, NM_001322014.2); c.-156G>C (NM_001322007.2); c.-825G>C (NM_001322011.2, NM_001322012.2); c.-425G>C (NM_001322015.2); c.-52-1937G>C (NM_001322008.2); c.-242-1937G>C (NM_001322010.2, NM_001322004.2).
Identifiers: ClinVar variation 486043 (VCV000486043.18), dbSNP rs1554306548, ClinGen allele CA453650334.

ClinVar aggregate classification (germline): Benign/Likely benign. Review status: criteria provided, multiple submitters, no conflicts (2 of 4 stars). 5 submissions from 5 submitters: Benign (1); Likely benign (4). Last evaluated 2025-12-03.

Conditions:
Hereditary cancer-predisposing syndrome. Also called: Tumor predisposition; Hereditary Cancer Syndrome; Hereditary neoplastic syndrome; Neoplastic Syndromes, Hereditary. Identifiers: Orphanet 140162, MedGen C0027672, MeSH D009386, MONDO:0015356.
Hereditary nonpolyposis colorectal neoplasms. Identifiers: MedGen C0009405, MeSH D003123.
Lynch syndrome. Identifiers: Orphanet 144, MedGen C4552100, MONDO:0005835. Disease mechanism: loss of function.
Lynch syndrome 4 (LYNCH4). Also called: Colorectal cancer, hereditary nonpolyposis, type 4; Hereditary non-polyposis colorectal cancer, type 4. Identifiers: Orphanet 144, MedGen C1838333, MONDO:0013699, OMIM 614337. Disease mechanism: loss of function.

Submissions (5):

Labcorp Genetics (formerly Invitae), Labcorp
Classification: Likely benign for Hereditary nonpolyposis colorectal neoplasms. Last evaluated: 2025-12-03. Review status: criteria provided, single submitter. Criteria: Invitae Variant Classification Sherloc (09022015). Collection method: clinical testing. Allele origin: germline.

Myriad Genetics, Inc.
Classification: Benign for Lynch syndrome 4. Last evaluated: 2025-01-23. Review status: criteria provided, single submitter. Criteria: Myriad Autosomal Dominant, Autosomal Recessive and X-Linked Classification Criteria (2023). Collection method: clinical testing. Allele origin: unknown.
Comment: This variant is considered benign. This variant is a silent/synonymous amino acid change and it is not expected to impact splicing.

All of Us Research Program, National Institutes of Health
Classification: Likely benign for Lynch syndrome. Last evaluated: 2024-04-16. Review status: criteria provided, single submitter. Criteria: ACMG Guidelines, 2015. Collection method: clinical testing. Allele origin: germline. Inheritance: Autosomal dominant inheritance. Observed: 2 variant alleles, 2 heterozygotes.
Comment: This study involves interpretation of variants in research participants for the purpose of population health screening. Participant phenotype was not available at the time of variant classification. Additional details can be found in publication PMID: 35346344, PMCID: PMC8962531

Color Diagnostics, LLC DBA Color Health
Classification: Likely benign for Hereditary cancer-predisposing syndrome. Last evaluated: 2024-03-19. Review status: criteria provided, single submitter. Criteria: ACMG Guidelines, 2015. Collection method: clinical testing. Allele origin: germline.

Ambry Genetics
Classification: Likely benign for Hereditary cancer-predisposing syndrome. Last evaluated: 2017-05-10. Review status: criteria provided, single submitter. Criteria: Ambry Variant Classification Scheme 2023. Collection method: clinical testing. Allele origin: germline.